The following is an entry in ClinVar:

ClinVar aggregate classification (germline): Benign/Likely benign. Review status: criteria provided, multiple submitters, no conflicts (2 of 4 stars). 4 submissions from 4 submitters: Benign (1); Likely benign (2). 1 of the submissions does not count toward it. Last evaluated 2024-04-18.

Conditions:
Hereditary cancer-predisposing syndrome. Also called: Neoplastic Syndromes, Hereditary; Hereditary neoplastic syndrome; Hereditary Cancer Syndrome; Tumor predisposition. Identifiers: Orphanet 140162, MedGen C0027672, MeSH D009386, MONDO:0015356.
Familial cancer of breast. Also called: BREAST CANCER, FAMILIAL; Hereditary breast cancer; hereditary breast carcinoma. Identifiers: Orphanet 227535, MedGen C0346153, MONDO:0016419, OMIM 114480. Disease mechanism: loss of function.
Ataxia-telangiectasia syndrome (AT). Also called: Ataxia-telangiectasia, complementation group D; Ataxia-telangiectasia, complementation group E; Cerebello-oculocutaneous telangiectasia; Immunodeficiency with ataxia telangiectasia; Ataxia telangiectasia (A-T); Ataxia-telangiectasia. Identifiers: Orphanet 100, MedGen C0004135, MONDO:0008840, OMIM 208900.

Submissions (4):

Myriad Genetics, Inc.
Classification: Benign for Familial cancer of breast. Last evaluated: 2024-04-18. Review status: criteria provided, single submitter. Criteria: Myriad Autosomal Dominant, Autosomal Recessive and X-Linked Classification Criteria (2023). Collection method: clinical testing. Allele origin: unknown.
Comment: This variant is considered benign. This variant is a silent/synonymous amino acid change and it is not expected to impact splicing.

Labcorp Genetics (formerly Invitae), Labcorp
Classification: Likely benign for Ataxia-telangiectasia syndrome. Last evaluated: 2024-04-15. Review status: criteria provided, single submitter. Criteria: Invitae Variant Classification Sherloc (09022015). Collection method: clinical testing. Allele origin: germline.

Ambry Genetics
Classification: Likely benign for Hereditary cancer-predisposing syndrome. Last evaluated: 2021-12-28. Review status: criteria provided, single submitter. Criteria: Ambry Variant Classification Scheme 2023. Collection method: clinical testing. Allele origin: germline.

Natera, Inc.
Classification: Uncertain significance for Ataxia-telangiectasia. Last evaluated: 2025-05-28. Review status: no assertion criteria provided. Collection method: clinical testing. Allele origin: germline. Not counted in ClinVar's aggregate classification.

NM_000051.4(ATM):c.324A>G (p.Ala108=)

Gene: ATM (ATM serine/threonine kinase; plus strand). Cytogenetic location: 11q22.3.
Variant type: single nucleotide variant.
Coding change: c.324A>G on transcript NM_000051.4 (MANE Select); coding-DNA position 324, A replaced by G.
Protein change: p.Ala108=; no amino-acid change (alanine 108 retained).
Molecular consequence: synonymous variant.
Genome position (GRCh38, 1-based): chr11:108,229,316, A>G. VCF-style: chr11-108229316-A-G. GRCh37 (hg19) VCF-style: chr11-108100043-A-G.
Other names: c.324A>G, p.Ala108= (NM_001351834.2, NM_001351835.2, NM_001351836.2).
Identifiers: ClinVar variation 1081937 (VCV001081937.13), dbSNP rs2135038430, ClinGen allele CA476668283.